The following is an entry in ClinVar:

ClinVar aggregate classification (germline): Conflicting classifications of pathogenicity. Review status: criteria provided, conflicting classifications (1 of 4 stars). 3 submissions from 3 submitters: Uncertain significance (2); Likely benign (1). Last evaluated 2025-06-03.

Conditions:
Autosomal dominant nocturnal frontal lobe epilepsy 4. Also called: EPILEPSY, FAMILIAL, WITH NOCTURNAL WANDERING AND ICTAL FEAR; CHRNA2-Related Nocturnal Frontal Lobe Epilepsy, Autosomal Dominant. Identifiers: Orphanet 98784, MedGen C1835905, MONDO:0012474, OMIM 610353.
Familial sleep-related hypermotor epilepsy. Also called: Autosomal Dominant Sleep-Related Hypermotor (Hyperkinetic) Epilepsy. Identifiers: Orphanet 98784, MedGen C3696898, MONDO:0000030.
Inborn genetic diseases. Identifiers: MedGen C0950123, MeSH D030342.

Allele frequency attached by ClinVar (database versions not stated): ExAC 0.00001; gnomAD exomes 0.00001; TOPMed 0.00001.
gnomAD v4.1: 16 of 1,613,894 alleles (0.00099%); highest among the groups gnomAD compares: Non-Finnish European, 0.00051%; no homozygotes.

Submissions (3):

Ambry Genetics
Classification: Likely benign for Inborn genetic diseases. Last evaluated: 2025-06-03. Review status: criteria provided, single submitter. Criteria: Ambry Variant Classification Scheme 2023. Collection method: clinical testing. Allele origin: germline.

Labcorp Genetics (formerly Invitae), Labcorp
Classification: Uncertain significance. Last evaluated: 2024-04-05. Review status: criteria provided, single submitter. Criteria: Invitae Variant Classification Sherloc (09022015). Collection method: clinical testing. Allele origin: germline.
Comment: This sequence change replaces glycine, which is neutral and non-polar, with valine, which is neutral and non-polar, at codon 368 of the CHRNA2 protein (p.Gly368Val). This variant is present in population databases (rs765772636, gnomAD 0.03%). This variant has not been reported in the literature in individuals affected with CHRNA2-related conditions. ClinVar contains an entry for this variant (Variation ID: 909008). Advanced modeling of protein sequence and biophysical properties (such as structural, functional, and spatial information, amino acid conservation, physicochemical variation, residue mobility, and thermodynamic stability) performed at Invitae indicates that this missense variant is not expected to disrupt CHRNA2 protein function with a negative predictive value of 80%. In summary, the available evidence is currently insufficient to determine the role of this variant in disease. Therefore, it has been classified as a Variant of Uncertain Significance.

Illumina Laboratory Services, Illumina
Classification: Uncertain significance for Autosomal dominant nocturnal frontal lobe epilepsy 4. Last evaluated: 2018-01-13. Review status: criteria provided, single submitter. Criteria: ICSL Variant Classification Criteria 13 December 2019. Collection method: clinical testing. Allele origin: germline.

NM_000742.4(CHRNA2):c.1103G>T (p.Gly368Val)

Gene: CHRNA2 (cholinergic receptor nicotinic alpha 2 subunit; minus strand). Cytogenetic location: 8p21.2.
Variant type: single nucleotide variant.
Coding change: c.1103G>T on transcript NM_000742.4 (MANE Select); coding-DNA position 1103, G replaced by T.
Protein change: p.Gly368Val; replaces glycine 368 with valine.
Molecular consequence: missense variant.
Genome position (GRCh38, 1-based): chr8:27,463,340, C>A on the plus strand (G>T on the coding strand, the complement: CHRNA2 is on the minus strand). VCF-style: chr8-27463340-C-A. GRCh37 (hg19) VCF-style: chr8-27320857-C-A.
Other names: c.1058G>T, p.Gly353Val (NM_001282455.2); c.626G>T, p.Gly209Val (NM_001347705.2, NM_001347706.2); c.509G>T, p.Gly170Val (NM_001347707.2, NM_001347708.2); short protein forms G368V, G353V, G170V, G209V.
Identifiers: ClinVar variation 909008 (VCV000909008.8), dbSNP rs765772636, ClinGen allele CA4689527.